The following is an entry in ClinVar:

NM_033022.4(RPS24):c.-8T>G

Genes: RPS24 (ribosomal protein S24; plus strand), LOC130004144 (ATAC-STARR-seq lymphoblastoid active region 3613; plus strand). Cytogenetic location: 10q22.3.
Variant type: single nucleotide variant.
Coding change: c.-8T>G on transcript NM_033022.4 (MANE Select); 8 bases upstream of the start codon, T replaced by G.
Molecular consequence: 5 prime UTR variant.
Genome position (GRCh38, 1-based): chr10:78,033,894, T>G. VCF-style: chr10-78033894-T-G. GRCh37 (hg19) VCF-style: chr10-79793652-T-G.
Other names: c.-8T>G (NM_001026.5, NM_001142282.2, NM_001142283.2 and 2 more transcripts).
Identifiers: ClinVar variation 301091 (VCV000301091.13), dbSNP rs185722293, ClinGen allele CA5571868.

ClinVar aggregate classification (germline): Benign/Likely benign. Review status: criteria provided, multiple submitters, no conflicts (2 of 4 stars). 4 submissions from 4 submitters: Benign (2); Likely benign (2). Last evaluated 2022-03-29.

Conditions:
Diamond-Blackfan anemia 3 (DBA3). Also called: RPS24-Related Diamond-Blackfan Anemia. Identifiers: Orphanet 124, MedGen C1857719, MONDO:0012529, OMIM 610629.
Diamond-Blackfan anemia. Also called: Blackfan Diamond syndrome; Aregenerative anemia chronic congenital; Red cell aplasia, pure hereditary; Congenital hypoplastic anemia; Aase syndrome. Identifiers: Orphanet 124, MedGen C1260899, MeSH D029503, MONDO:0015253, HP:0004810.

Allele frequency attached by ClinVar (database versions not stated): ESP Exome Variant Server 0.00054; gnomAD 0.00101 and 0.00139; TOPMed 0.00206; 1000 Genomes Project 0.00679; 1000 Genomes Project 30x 0.00734.
gnomAD v4.1: 1,243 of 1,614,106 alleles (0.077%); highest among the groups gnomAD compares: East Asian, 2%; 20 homozygotes.

Submissions (4):

GeneDx
Classification: Likely benign. Last evaluated: 2022-03-29. Review status: criteria provided, single submitter. Criteria: GeneDx Variant Classification Process June 2021. Collection method: clinical testing. Allele origin: germline. Affected: yes.

Illumina Laboratory Services, Illumina
Classification: Benign for Diamond-Blackfan anemia 3. Last evaluated: 2018-01-13. Review status: criteria provided, single submitter. Criteria: ICSL Variant Classification Criteria 13 December 2019. Collection method: clinical testing. Allele origin: germline.
Comment: This variant was observed in the ICSL laboratory as part of a predisposition screen in an ostensibly healthy population. It had not been previously curated by ICSL or reported in the Human Gene Mutation Database (HGMD: prior to June 1st, 2018), and was therefore a candidate for classification through an automated scoring system. Utilizing variant allele frequency, disease prevalence and penetrance estimates, and inheritance mode, an automated score was calculated to assess if this variant is too frequent to cause the disease. Based on the score and internal cut-off values, a variant classified as benign is not then subjected to further curation. The score for this variant resulted in a classification of benign for this disease.

Genetic Services Laboratory, University of Chicago
Classification: Likely benign. Last evaluated: 2017-02-07. Review status: criteria provided, single submitter. Criteria: ACMG Guidelines, 2015. Collection method: clinical testing. Allele origin: germline. Affected: no.

Ambry Genetics
Classification: Benign for Diamond-Blackfan anemia. Last evaluated: 2014-10-29. Review status: criteria provided, single submitter. Criteria: Ambry Variant Classification Scheme 2023. Collection method: clinical testing. Allele origin: germline.